The following is an entry in ClinVar:

ClinVar aggregate classification (germline): Uncertain significance (1 of 4 stars; one submission).

Conditions:
Amyotrophic lateral sclerosis type 1 (ALS1). Also called: AMYOTROPHIC LATERAL SCLEROSIS 1, FAMILIAL. Identifiers: Orphanet 803, MedGen C1862939, MONDO:0007103, OMIM 105400.
Perry syndrome. Also called: PARKINSONISM WITH ALVEOLAR HYPOVENTILATION AND MENTAL DEPRESSION. Identifiers: Orphanet 178509, MedGen C1868594, MONDO:0008201, OMIM 168605.
Neuronopathy, distal hereditary motor, type 7B. Also called: Distal Hereditary Motor Neuronopathy Type 7B (dHMN7B); HMN VIIB; LOWER MOTOR NEURON DISEASE, DYNACTIN TYPE; NEURONOPATHY, DISTAL HEREDITARY MOTOR, AUTOSOMAL DOMINANT 14; NEURONOPATHY, DISTAL HEREDITARY MOTOR, HARDING TYPE VIIB; NEUROPATHY, DISTAL HEREDITARY MOTOR, HARDING TYPE VIIB. Identifiers: Orphanet 139589, MedGen C1843315, MONDO:0011879, OMIM 607641.

Allele frequency attached by ClinVar (database versions not stated): gnomAD exomes below 0.00001; ExAC 0.00001.

Submission:

Labcorp Genetics (formerly Invitae), Labcorp
Classification: Uncertain significance for Amyotrophic lateral sclerosis type 1; Neuronopathy, distal hereditary motor, type 7B; Perry syndrome. Last evaluated: 2019-10-10. Review status: criteria provided, single submitter. Criteria: Invitae Variant Classification Sherloc (09022015). Collection method: clinical testing. Allele origin: germline.
Comment: In summary, the available evidence is currently insufficient to determine the role of this variant in disease. Therefore, it has been classified as a Variant of Uncertain Significance. Algorithms developed to predict the effect of missense changes on protein structure and function are either unavailable or do not agree on the potential impact of this missense change (SIFT: "Deleterious"; PolyPhen-2: "Possibly Damaging"; Align-GVGD: "Class C15"). This variant has not been reported in the literature in individuals with DCTN1-related conditions. This variant is present in population databases (rs762263842, ExAC 0.002%). This sequence change replaces leucine with phenylalanine at codon 1094 of the DCTN1 protein (p.Leu1094Phe). The leucine residue is highly conserved and there is a small physicochemical difference between leucine and phenylalanine.

NM_004082.5(DCTN1):c.3280C>T (p.Leu1094Phe)

Gene: DCTN1 (dynactin subunit 1; minus strand). Cytogenetic location: 2p13.1.
Variant type: single nucleotide variant.
Coding change: c.3280C>T on transcript NM_004082.5 (MANE Select); coding-DNA position 3280, C replaced by T.
Protein change: p.Leu1094Phe; replaces leucine 1094 with phenylalanine.
Molecular consequence: missense variant. On other transcripts: non-coding transcript variant (1).
Genome position (GRCh38, 1-based): chr2:74,363,359, G>A on the plus strand (C>T on the coding strand, the complement: DCTN1 is on the minus strand). VCF-style: chr2-74363359-G-A. GRCh37 (hg19) VCF-style: chr2-74590486-G-A.
Other names: c.3205C>T, p.Leu1069Phe (NM_001135040.3); c.2863C>T, p.Leu955Phe (NM_001135041.3); c.3154C>T, p.Leu1052Phe (NM_001190836.2); c.3259C>T, p.Leu1087Phe (NM_001190837.2); c.3229C>T, p.Leu1077Phe (NM_001378991.1); c.3211C>T, p.Leu1071Phe (NM_001378992.1); c.2878C>T, p.Leu960Phe (NM_023019.4); short protein forms L1069F, L1094F, L955F, L1071F, L960F, L1052F, L1077F, L1087F.
Identifiers: ClinVar variation 968399 (VCV000968399.10), dbSNP rs762263842, ClinGen allele CA1721534.
Genomic context (GRCh38, chr2:74,363,359, plus strand): 5'-GGATGCTGTTCTCATGCTGGAGCTGGGAGATGTGCAGCCTCATGGCAGAGATCTGCTGAA[G>A]CAGCAGTGGTGAGTCCTTCACCAGCCCTGGGCCTGGCACAGACCCTGGAGCCTGCCCAGG-3'
Protein context (NP_004073.2, residues 1084-1104): PGLVKDSPLL[Leu1094Phe]QQISAMRLHI